The following is an entry in ClinVar:

ClinVar aggregate classification (germline): Uncertain significance. Review status: criteria provided, multiple submitters, no conflicts (2 of 4 stars). 2 submissions from 2 submitters: Uncertain significance (2). Last evaluated 2025-09-05.

Conditions:
RYR1-related disorder. Also called: RYR1-related disorders; RYR1-related condition. Identifiers: MedGen CN239331.
Malignant hyperthermia, susceptibility to, 1 (MHS1). Also called: Anesthesia related hyperthermia; Malignant hyperpyrexia; Fulminating hyperpyrexia; Pharmacogenic myopathy; RYR1-Related Malignant Hyperthermia Susceptibility; Malignant hyperthermia suceptibility 1. Identifiers: Orphanet 423, MedGen C2930980, MONDO:0007783, OMIM 145600.

Submissions (2):

Color Diagnostics, LLC DBA Color Health
Classification: Uncertain significance for Malignant hyperthermia, susceptibility to, 1. Last evaluated: 2025-09-05. Review status: criteria provided, single submitter. Criteria: ACMG Guidelines, 2015. Collection method: clinical testing. Allele origin: germline.
Comment: This missense variant replaces phenylalanine with cysteine at codon 4565 of the RYR1 protein. Computational prediction suggests that this variant may not impact protein structure and function. To our knowledge, functional studies have not been reported for this variant. This variant has not been reported in individuals affected with RYR1-related disorders in the literature. This variant has not been identified in the general population by the Genome Aggregation Database (gnomAD). The available evidence is insufficient to determine the role of this variant in disease conclusively. Therefore, this variant is classified as a Variant of Uncertain Significance.

Labcorp Genetics (formerly Invitae), Labcorp
Classification: Uncertain significance for RYR1-related disorder. Last evaluated: 2023-12-19. Review status: criteria provided, single submitter. Criteria: Invitae Variant Classification Sherloc (09022015). Collection method: clinical testing. Allele origin: germline.
Comment: This sequence change replaces phenylalanine, which is neutral and non-polar, with cysteine, which is neutral and slightly polar, at codon 4565 of the RYR1 protein (p.Phe4565Cys). Information on the frequency of this variant in the gnomAD database is not available, as this variant may be reported differently in the database. This variant has not been reported in the literature in individuals affected with RYR1-related conditions. An algorithm developed to predict the effect of missense changes on protein structure and function (PolyPhen-2) suggests that this variant is likely to be tolerated. In summary, the available evidence is currently insufficient to determine the role of this variant in disease. Therefore, it has been classified as a Variant of Uncertain Significance.

NM_000540.3(RYR1):c.13694_13695delinsGT (p.Phe4565Cys)

Gene: RYR1 (ryanodine receptor 1; plus strand). Cytogenetic location: 19q13.2.
Variant type: Indel.
Coding change: c.13694_13695delinsGT on transcript NM_000540.3 (MANE Select); coding-DNA positions 13694 to 13695, TC replaced by GT.
Protein change: p.Phe4565Cys; replaces phenylalanine 4565 with cysteine.
Molecular consequence: missense variant.
Genome position (GRCh38, 1-based): chr19:38,570,641-38,570,642, TC replaced by GT. VCF-style: chr19-38570641-TC-GT. GRCh37 (hg19) VCF-style: chr19-39061281-TC-GT.
Other names: c.13679_13680delinsGT, p.Phe4560Cys (NM_001042723.2); short protein forms F4560C, F4565C.
Identifiers: ClinVar variation 2732897 (VCV002732897.4), dbSNP rs2514707032, ClinGen allele CA2697556521.